The following is an entry in ClinVar:

NM_000507.4(FBP1):c.479T>G (p.Leu160Arg)

Gene: FBP1 (fructose-bisphosphatase 1; minus strand). Cytogenetic location: 9q22.32.
Variant type: single nucleotide variant.
Coding change: c.479T>G on transcript NM_000507.4 (MANE Select); coding-DNA position 479, T replaced by G.
Protein change: p.Leu160Arg; replaces leucine 160 with arginine.
Molecular consequence: missense variant.
Genome position (GRCh38, 1-based): chr9:94,610,009, A>C on the plus strand (T>G on the coding strand, the complement: FBP1 is on the minus strand). VCF-style: chr9-94610009-A-C. GRCh37 (hg19) VCF-style: chr9-97372291-A-C.
Other names: c.479T>G, p.Leu160Arg (NM_001127628.2); short protein forms L160R.
Identifiers: ClinVar variation 2008286 (VCV002008286.3), dbSNP rs2538936262, ClinGen allele CA374107781.

ClinVar aggregate classification (germline): Uncertain significance (1 of 4 stars; one submission).

Conditions:
Fructose-biphosphatase deficiency (FBP1D). Also called: Fructose-1,6-Diphosphatase Deficiency; Fructose 1,6 Bisphosphatase Deficiency; Fructose-1,6-Bisphosphatase 1 Deficiency. Identifiers: Orphanet 348, MedGen C0016756, MONDO:0009251, OMIM 229700.

Submission:

Labcorp Genetics (formerly Invitae), Labcorp
Classification: Uncertain significance for Fructose-biphosphatase deficiency. Last evaluated: 2024-10-15. Review status: criteria provided, single submitter. Criteria: Invitae Variant Classification Sherloc (09022015). Collection method: clinical testing. Allele origin: germline.
Comment: This sequence change replaces leucine, which is neutral and non-polar, with arginine, which is basic and polar, at codon 160 of the FBP1 protein (p.Leu160Arg). This variant is not present in population databases (gnomAD no frequency). This variant has not been reported in the literature in individuals affected with FBP1-related conditions. ClinVar contains an entry for this variant (Variation ID: 2008286). Invitae Evidence Modeling of protein sequence and biophysical properties (such as structural, functional, and spatial information, amino acid conservation, physicochemical variation, residue mobility, and thermodynamic stability) indicates that this missense variant is expected to disrupt FBP1 protein function with a positive predictive value of 95%. In summary, the available evidence is currently insufficient to determine the role of this variant in disease. Therefore, it has been classified as a Variant of Uncertain Significance.